The following is an entry in ClinVar:

NM_000257.4(MYH7):c.3588C>G (p.His1196Gln)

Gene: MYH7 (myosin heavy chain 7; minus strand). Cytogenetic location: 14q11.2.
Variant type: single nucleotide variant.
Coding change: c.3588C>G on transcript NM_000257.4 (MANE Select); coding-DNA position 3588, C replaced by G.
Protein change: p.His1196Gln; replaces histidine 1196 with glutamine.
Molecular consequence: missense variant.
Genome position (GRCh38, 1-based): chr14:23,419,983, G>C on the plus strand (C>G on the coding strand, the complement: MYH7 is on the minus strand). VCF-style: chr14-23419983-G-C. GRCh37 (hg19) VCF-style: chr14-23889192-G-C.
Other names: c.3588C>G, p.His1196Gln (NM_001407004.1); short protein forms H1196Q.
Identifiers: ClinVar variation 3893719 (VCV003893719.1).

ClinVar aggregate classification (germline): Uncertain significance (1 of 4 stars; one submission).

Conditions:
Cardiomyopathy (CMYO). Also called: Cardiomyopathies. Identifiers: Orphanet 167848, MedGen C0878544, MONDO:0004994, HP:0001638. Inheritance: Various modes of inheritance.

gnomAD v4.1: 1 of 1,604,002 alleles (0.000062%); no homozygotes.

Submission:

Color Diagnostics, LLC DBA Color Health
Classification: Uncertain significance for Cardiomyopathy. Last evaluated: 2024-03-10. Review status: criteria provided, single submitter. Criteria: ACMG Guidelines, 2015. Collection method: clinical testing. Allele origin: germline.
Comment: This missense variant replaces histidine with glutamine at codon 1196 of the MYH7 protein. Computational prediction suggests that this variant may not impact protein structure and function (internally defined REVEL score threshold <= 0.5, PMID: 27666373). To our knowledge, functional studies have not been reported for this variant. This variant has not been reported in individuals affected with MYH7-related disorders in the literature. This variant has not been identified in the general population by the Genome Aggregation Database (gnomAD). The available evidence is insufficient to determine the role of this variant in disease conclusively. Therefore, this variant is classified as a Variant of Uncertain Significance.